The following is an entry in ClinVar:

ClinVar aggregate classification (germline): Uncertain significance (1 of 4 stars; one submission).

Conditions:
Aicardi-Goutieres syndrome 6 (AGS6). Identifiers: Orphanet 51, MedGen C3539013, MONDO:0014007, OMIM 615010.
Symmetrical dyschromatosis of extremities (DSH). Also called: RETICULATE ACROPIGMENTATION OF DOHI; SYMMETRIC DYSCHROMATOSIS OF THE EXTREMITIES; Dyschromatosis symmetrica hereditaria; DYSCHROMATOSIS SYMMETRICA HEREDITARIA 1. Identifiers: Orphanet 41, MedGen C0406775, MONDO:0007483, OMIM 127400.

Allele frequency attached by ClinVar (database versions not stated): TOPMed 0.00001.

Submission:

Labcorp Genetics (formerly Invitae), Labcorp
Classification: Uncertain significance for Aicardi-Goutieres syndrome 6; Symmetrical dyschromatosis of extremities. Last evaluated: 2025-04-17. Review status: criteria provided, single submitter. Criteria: Invitae Variant Classification Sherloc (09022015). Collection method: clinical testing. Allele origin: germline.
Comment: This sequence change replaces lysine, which is basic and polar, with glutamine, which is neutral and polar, at codon 1115 of the ADAR protein (p.Lys1115Gln). This variant is not present in population databases (gnomAD no frequency). This variant has not been reported in the literature in individuals affected with ADAR-related conditions. ClinVar contains an entry for this variant (Variation ID: 2923808). Invitae Evidence Modeling of protein sequence and biophysical properties (such as structural, functional, and spatial information, amino acid conservation, physicochemical variation, residue mobility, and thermodynamic stability) indicates that this missense variant is not expected to disrupt ADAR protein function with a negative predictive value of 80%. In summary, the available evidence is currently insufficient to determine the role of this variant in disease. Therefore, it has been classified as a Variant of Uncertain Significance.

NM_001111.5(ADAR):c.3343A>C (p.Lys1115Gln)

Gene: ADAR (adenosine deaminase RNA specific; minus strand). Cytogenetic location: 1q21.3.
Variant type: single nucleotide variant.
Coding change: c.3343A>C on transcript NM_001111.5 (MANE Select); coding-DNA position 3343, A replaced by C.
Protein change: p.Lys1115Gln; replaces lysine 1115 with glutamine.
Molecular consequence: missense variant.
Genome position (GRCh38, 1-based): chr1:154,585,317, T>G on the plus strand (A>C on the coding strand, the complement: ADAR is on the minus strand). VCF-style: chr1-154585317-T-G. GRCh37 (hg19) VCF-style: chr1-154557793-T-G.
Other names: c.2458A>C, p.Lys820Gln (NM_001025107.3, NM_001193495.2, NM_001365046.1 and 2 more transcripts); c.3370A>C, p.Lys1124Gln (NM_001365045.1); c.2380A>C, p.Lys794Gln (NM_001365049.1); c.3265A>C, p.Lys1089Gln (NM_015840.4); c.3208A>C, p.Lys1070Gln (NM_015841.4); short protein forms K1070Q, K1115Q, K794Q, K1089Q, K1124Q, K820Q.
Identifiers: ClinVar variation 2923808 (VCV002923808.3), dbSNP rs1696679686, ClinGen allele CA342635179.
Genomic context (GRCh38, chr1:154,585,317, plus strand): 5'-CATAGCCATCAGCCAGACACCAGTTGACGCTTGTCTCCTTAGTCTTCCCGGATTGCCTTT[T>G]GGAATCATATATGCTGACTCTGCCAACCTAGGAATCCCAGAAGCAACGGGAGAAAGATGG-3'
Protein context (NP_001102.3, residues 1105-1125): KVGRVSIYDS[Lys1115Gln]RQSGKTKETS